The following is an entry in ClinVar:

ClinVar aggregate classification (germline): Likely pathogenic (1 of 4 stars; one submission).

Conditions:
Developmental and epileptic encephalopathy, 23 (DEE23). Also called: Epileptic encephalopathy, early infantile, 23. Identifiers: Orphanet 411986, MedGen C4014492, MONDO:0014371, OMIM 615859.

Submission:

Labcorp Genetics (formerly Invitae), Labcorp
Classification: Likely pathogenic for Developmental and epileptic encephalopathy, 23. Last evaluated: 2023-07-21. Review status: criteria provided, single submitter. Criteria: Invitae Variant Classification Sherloc (09022015). Collection method: clinical testing. Allele origin: germline.
Comment: In summary, the currently available evidence indicates that the variant is pathogenic, but additional data are needed to prove that conclusively. Therefore, this variant has been classified as Likely Pathogenic. Algorithms developed to predict the effect of sequence changes on RNA splicing suggest that this variant may disrupt the consensus splice site. ClinVar contains an entry for this variant (Variation ID: 1473527). This variant has not been reported in the literature in individuals affected with DOCK7-related conditions. This variant is not present in population databases (gnomAD no frequency). This variant results in the deletion of part of exon 27 (c.3187-31_3274del) of the DOCK7 gene. It is expected to disrupt RNA splicing. Variants that disrupt the donor or acceptor splice site typically lead to a loss of protein function (PMID: 16199547), and loss-of-function variants in DOCK7 are known to be pathogenic (PMID: 24814191).

Literature cited by the submitters: PubMed 16199547; PubMed 24814191.

NM_001367561.1(DOCK7):c.3187-31_3274del

Gene: DOCK7 (dedicator of cytokinesis 7; minus strand). Cytogenetic location: 1p31.3.
Variant type: Deletion.
Coding change: c.3187-31_3274del on transcript NM_001367561.1 (MANE Select); 31 bases into the intron before coding-DNA position 3187 through coding-DNA position 3274, 119 bases deleted.
Molecular consequence: splice acceptor variant.
Genome position (GRCh38, 1-based): chr1:62,539,571-62,539,689, 119 bases deleted. GRCh37 (hg19): chr1:63,005,246-63,005,364.
Other names: c.3094-31_3181del (NM_001272001.2, NM_001272000.2, NM_033407.4); c.3187-31_3274del (NM_001271999.2, NM_001330614.2).
Identifiers: ClinVar variation 1473527 (VCV001473527.6), dbSNP rs2149393215, ClinGen allele CA2573132512.